The following is an entry in ClinVar:

NM_004415.4(DSP):c.727C>T (p.Arg243Cys)

Gene: DSP (desmoplakin; plus strand). Cytogenetic location: 6p24.3.
Variant type: single nucleotide variant.
Coding change: c.727C>T on transcript NM_004415.4 (MANE Select); coding-DNA position 727, C replaced by T.
Protein change: p.Arg243Cys; replaces arginine 243 with cysteine.
Molecular consequence: missense variant.
Genome position (GRCh38, 1-based): chr6:7,563,736, C>T. VCF-style: chr6-7563736-C-T. GRCh37 (hg19) VCF-style: chr6-7563969-C-T.
Other names: c.727C>T, p.Arg243Cys (NM_001008844.3, NM_001319034.2); c.727C>T (NM_004415.2); short protein forms R243C.
Identifiers: ClinVar variation 1444113 (VCV001444113.11), dbSNP rs1191710190, ClinGen allele CA362673647.

ClinVar aggregate classification (germline): Uncertain significance. Review status: criteria provided, multiple submitters, no conflicts (2 of 4 stars). 4 submissions from 4 submitters: Uncertain significance (4). Last evaluated 2024-02-18.

Conditions:
Woolly hair-skin fragility syndrome (WHSF). Identifiers: Orphanet 293165, MedGen C1843292, MONDO:0957307, OMIM 620415.
Cardiomyopathy, dilated, with wooly hair, keratoderma, and tooth agenesis. Also called: Erythrokeratodermia-cardiomyopathy syndrome; Cardiomyopathy, dilated, with woolly hair, keratoderma, and tooth agenesis. Identifiers: Orphanet 476096, Orphanet 65282, MedGen C4014393, MONDO:0014355, OMIM 615821.
Arrhythmogenic cardiomyopathy with wooly hair and keratoderma. Also called: Dilated cardiomyopathy with woolly hair and keratoderma; PALMOPLANTAR KERATODERMA WITH LEFT VENTRICULAR CARDIOMYOPATHY AND WOOLLY HAIR; Carvajal syndrome; Arrhythmogenic cardiomyopathy with woolly hair and keratoderma. Identifiers: Orphanet 65282, MedGen C1854063, MONDO:0011581, OMIM 605676.
Arrhythmogenic right ventricular dysplasia 8 (ARVD8). Also called: Arrhythmogenic Right Ventricular Dysplasia/Cardiomyopathy 8; ARRHYTHMOGENIC RIGHT VENTRICULAR DYSPLASIA, FAMILIAL, 8; ARRHYTHMOGENIC RIGHT VENTRICULAR CARDIOMYOPATHY 8. Identifiers: MedGen C1843896, MONDO:0011831, OMIM 607450.
Lethal acantholytic epidermolysis bullosa (EBLA). Identifiers: Orphanet 158687, MedGen C1864826, MONDO:0012323, OMIM 609638.
Keratosis palmoplantaris striata 2. Also called: KERATODERMA, PALMOPLANTAR, STRIATE FORM II; STRIATE PALMOPLANTAR KERATODERMA II; Keratosis palmoplantaris striata II. Identifiers: MedGen C1852127, MONDO:0013034, OMIM 612908.
Cardiomyopathy (CMYO). Also called: Cardiomyopathies. Identifiers: Orphanet 167848, MedGen C0878544, MONDO:0004994, HP:0001638. Inheritance: Various modes of inheritance.
Cardiovascular phenotype. Identifiers: MedGen CN230736.

Allele frequency attached by ClinVar (database versions not stated): gnomAD exomes below 0.00001; gnomAD 0.00001; TOPMed 0.00001.

Submissions (4):

Labcorp Genetics (formerly Invitae), Labcorp
Classification: Uncertain significance for Arrhythmogenic cardiomyopathy with wooly hair and keratoderma; Arrhythmogenic right ventricular dysplasia 8. Last evaluated: 2024-02-18. Review status: criteria provided, single submitter. Criteria: Invitae Variant Classification Sherloc (09022015). Collection method: clinical testing. Allele origin: germline.
Comment: This sequence change replaces arginine, which is basic and polar, with cysteine, which is neutral and slightly polar, at codon 243 of the DSP protein (p.Arg243Cys). This variant is present in population databases (no rsID available, gnomAD 0.0009%). This missense change has been observed in individual(s) with clinical features of DSP-related conditions (PMID: 29095814). ClinVar contains an entry for this variant (Variation ID: 1444113). An algorithm developed to predict the effect of missense changes on protein structure and function (PolyPhen-2) suggests that this variant is likely to be disruptive. In summary, the available evidence is currently insufficient to determine the role of this variant in disease. Therefore, it has been classified as a Variant of Uncertain Significance.

Color Diagnostics, LLC DBA Color Health
Classification: Uncertain significance for Cardiomyopathy. Last evaluated: 2024-02-12. Review status: criteria provided, single submitter. Criteria: ACMG Guidelines, 2015. Collection method: clinical testing. Allele origin: germline.
Comment: This missense variant replaces arginine with cysteine at codon 243 of the DSP protein. Computational prediction is inconclusive regarding the impact of this variant on protein structure and function. To our knowledge, functional studies have not been reported for this variant. This variant has been reported to be a de novo occurrence in an individual affected with dilated cardiomyopathy with woolly hair, keratoderma, and tooth agenesis (PMID: 29095814). This variant has been identified in 1/251414 chromosomes in the general population by the Genome Aggregation Database (gnomAD). The available evidence is insufficient to determine the role of this variant in disease conclusively. Therefore, this variant is classified as a Variant of Uncertain Significance.

Ambry Genetics
Classification: Uncertain significance for Cardiovascular phenotype. Last evaluated: 2023-10-07. Review status: criteria provided, single submitter. Criteria: Ambry Variant Classification Scheme 2023. Collection method: clinical testing. Allele origin: germline.
Comment: The p.R243C variant (also known as c.727C>T) is located in coding exon 6 of the DSP gene. The arginine at codon 243 is replaced by cysteine, an amino acid with highly dissimilar properties. This variant impacts the first base pair of coding exon 6. This amino acid position is highly conserved in available vertebrate species. In addition, this alteration is predicted to be deleterious by in silico analysis. Since supporting evidence is limited at this time, the clinical significance of this alteration remains unclear.

Fulgent Genetics
Classification: Uncertain significance for Arrhythmogenic cardiomyopathy with wooly hair and keratoderma; Arrhythmogenic right ventricular dysplasia 8; Lethal acantholytic epidermolysis bullosa; Keratosis palmoplantaris striata 2; Cardiomyopathy, dilated, with wooly hair, keratoderma, and tooth agenesis. Last evaluated: 2021-08-03. Review status: criteria provided, single submitter. Criteria: ACMG Guidelines, 2015. Collection method: clinical testing. Allele origin: unknown.

Literature cited by the submitters: PubMed 29095814 (cited by Labcorp Genetics (formerly Invitae), Labcorp and Color Diagnostics, LLC DBA Color Health).